The following is an entry in ClinVar:

NM_001114134.2(EPB42):c.1279C>T (p.Arg427Cys)

Gene: EPB42 (erythrocyte membrane protein band 4.2; minus strand). Cytogenetic location: 15q15.2.
Variant type: single nucleotide variant.
Coding change: c.1279C>T on transcript NM_001114134.2 (MANE Select); coding-DNA position 1279, C replaced by T.
Protein change: p.Arg427Cys; replaces arginine 427 with cysteine.
Molecular consequence: missense variant.
Genome position (GRCh38, 1-based): chr15:43,207,238, G>A on the plus strand (C>T on the coding strand, the complement: EPB42 is on the minus strand). VCF-style: chr15-43207238-G-A. GRCh37 (hg19) VCF-style: chr15-43499436-G-A.
Other names: c.1369C>T, p.Arg457Cys (NM_000119.3); short protein forms R457C, R427C.
Identifiers: ClinVar variation 255148 (VCV000255148.51), dbSNP rs45594632, ClinGen allele CA7520373.

ClinVar aggregate classification (germline): Conflicting classifications of pathogenicity. Review status: criteria provided, conflicting classifications (1 of 4 stars). 6 submissions from 6 submitters: Uncertain significance (2); Likely benign (4). Last evaluated 2026-04-01.

Conditions:
Hereditary spherocytosis type 5. Also called: EPB42-Related Spherocytosis; EPB42-Related Hereditary Spherocytosis. Identifiers: Orphanet 822, MedGen C2675192, MONDO:0012985, OMIM 612690.

Allele frequency attached by ClinVar (database versions not stated): 1000 Genomes Project 0.00220; 1000 Genomes Project 30x 0.00250; ExAC 0.00272; gnomAD 0.00285 and 0.00295; ESP Exome Variant Server 0.00292; gnomAD exomes 0.00292 and 0.00489; TOPMed 0.00314.
gnomAD v4.1: 7,564 of 1,614,094 alleles (0.47%); highest among the groups gnomAD compares: Non-Finnish European, 0.58%; 20 homozygotes.

Submissions (6):

CeGaT Center for Human Genetics Tuebingen
Classification: Likely benign. Last evaluated: 2026-04-01. Review status: criteria provided, single submitter. Criteria: CeGaT Center For Human Genetics Tuebingen Variant Classification Criteria Version 2. Collection method: clinical testing. Allele origin: germline. Affected: yes. Observed: 5 variant alleles.
Comment: EPB42: BP4, BS2

Labcorp Genetics (formerly Invitae), Labcorp
Classification: Likely benign. Last evaluated: 2026-01-22. Review status: criteria provided, single submitter. Criteria: Invitae Variant Classification Sherloc (09022015). Collection method: clinical testing. Allele origin: germline.

ARUP Laboratories, Molecular Genetics and Genomics, ARUP Laboratories
Classification: Likely benign for Hereditary spherocytosis type 5. Last evaluated: 2025-06-27. Review status: criteria provided, single submitter. Criteria: ARUP Molecular Germline Variant Investigation Process 2024. Collection method: clinical testing. Allele origin: germline.

Mayo Clinic Laboratories, Mayo Clinic
Classification: Uncertain significance. Last evaluated: 2025-05-21. Review status: criteria provided, single submitter. Criteria: ACMG Guidelines, 2015. Collection method: clinical testing. Allele origin: germline. Observed: 16 variant alleles.

Illumina Laboratory Services, Illumina
Classification: Uncertain significance for Hereditary spherocytosis type 5. Last evaluated: 2018-01-13. Review status: criteria provided, single submitter. Criteria: ICSL Variant Classification Criteria 13 December 2019. Collection method: clinical testing. Allele origin: germline.

PreventionGenetics, part of Exact Sciences
Classification: Likely benign. Review status: criteria provided, single submitter. Criteria: ACMG Guidelines, 2015. Collection method: clinical testing. Allele origin: germline.

Literature cited by the submitters: PubMed 29396846 (cited by Mayo Clinic Laboratories, Mayo Clinic).